The following is an entry in ClinVar:

NM_012082.4(ZFPM2):c.679A>G (p.Ile227Val)

Genes: ZFPM2 (zinc finger protein, FOG family member 2; plus strand), ZFPM2-AS1 (ZFPM2 antisense RNA 1; minus strand). Cytogenetic location: 8q23.1.
Variant type: single nucleotide variant.
Coding change: c.679A>G on transcript NM_012082.4 (MANE Select); coding-DNA position 679, A replaced by G.
Protein change: p.Ile227Val; replaces isoleucine 227 with valine.
Molecular consequence: missense variant.
Genome position (GRCh38, 1-based): chr8:105,788,864, A>G. VCF-style: chr8-105788864-A-G. GRCh37 (hg19) VCF-style: chr8-106801092-A-G.
Other names: c.520A>G, p.Ile174Val (NM_001362836.2); c.283A>G, p.Ile95Val (NM_001362837.2); short protein forms I174V, I95V, I227V.
Identifiers: ClinVar variation 696409 (VCV000696409.12), dbSNP rs202204708, ClinGen allele CA4839586.
Genomic context (GRCh38, chr8:105,788,864, plus strand): 5'-CAAGCTGCCAGTCAGATGACTCTCACAGAAGGGATGTACCCTGCACGCCTGCTGGACTCA[A>G]TTCAGCTGCTTCCTCAGCAAGCTGCCATGGCTTCTATTTTGCCCACAGCTATTGTCAATA-3'
Protein context (NP_036214.2, residues 217-237): GMYPARLLDS[Ile227Val]QLLPQQAAMA

ClinVar aggregate classification (germline): Conflicting classifications of pathogenicity. Review status: criteria provided, conflicting classifications (1 of 4 stars). 3 submissions from 3 submitters: Uncertain significance (1); Likely benign (1). 1 of the submissions does not count toward it. Last evaluated 2025-06-02.

Conditions:
ZFPM2-related disorder. Also called: ZFPM2-related condition.
46,XY sex reversal 9 (SRXY9). Also called: 46,XY SEX REVERSAL, ZFPM2-RELATED. Identifiers: Orphanet 251510, MedGen C4015129, MONDO:0014480, OMIM 616067.

Allele frequency attached by ClinVar (database versions not stated): ESP Exome Variant Server 0.00081; gnomAD exomes 0.00097 and 0.00045; ExAC 0.00047; gnomAD 0.00047 and 0.00049; TOPMed 0.00050.
gnomAD v4.1: 1,469 of 1,613,756 alleles (0.091%); highest among the groups gnomAD compares: Non-Finnish European, 0.12%; 5 homozygotes.

Submissions (3):

Labcorp Genetics (formerly Invitae), Labcorp
Classification: Likely benign for 46,XY sex reversal 9. Last evaluated: 2025-06-02. Review status: criteria provided, single submitter. Criteria: Invitae Variant Classification Sherloc (09022015). Collection method: clinical testing. Allele origin: germline.

GeneDx
Classification: Uncertain significance. Last evaluated: 2019-07-22. Review status: criteria provided, single submitter. Criteria: GeneDx Variant Classification Process June 2021. Collection method: clinical testing. Allele origin: germline. Affected: yes.
Comment: Report in published literature in an individual with sporadic double outlet right ventricle who had panel-based testing; familial segregation studies were not performed (DeLuca et al., 2011); Reported in published literature in two unrelated patients with congenital diaphragmatic hernia who had exome sequencing; variant was inherited from an unaffected father in both patients (Longoni et al., 2015); In silico analysis, which includes protein predictors and evolutionary conservation, supports that this variant does not alter protein structure/function; This variant is associated with the following publications: (PMID: 25025186, 20807224, 21919901, 24702427)

PreventionGenetics, part of Exact Sciences
Classification: Likely benign for ZFPM2-related condition. Last evaluated: 2024-08-06. Review status: no assertion criteria provided. Collection method: clinical testing. Allele origin: germline. Not counted in ClinVar's aggregate classification.
Comment: This variant is classified as likely benign based on ACMG/AMP sequence variant interpretation guidelines (Richards et al. 2015 PMID: 25741868, with internal and published modifications).